The following is an entry in ClinVar:

ClinVar aggregate classification (germline): Likely benign (0 of 4 stars; one submission).

Conditions:
DNAH17-related disorder. Also called: DNAH17-related condition.

Allele frequency attached by ClinVar (database versions not stated): ExAC 0.00001.
gnomAD v4.1: 6 of 1,613,968 alleles (0.00037%); highest among the groups gnomAD compares: South Asian, 0.0011%; no homozygotes.

Submission:

PreventionGenetics, part of Exact Sciences
Classification: Likely benign for DNAH17-related condition. Last evaluated: 2019-09-18. Review status: no assertion criteria provided. Collection method: clinical testing. Allele origin: germline.
Comment: This variant is classified as likely benign based on ACMG/AMP sequence variant interpretation guidelines (Richards et al. 2015 PMID: 25741868, with internal and published modifications).

NM_173628.4(DNAH17):c.684C>T (p.Phe228=)

Gene: DNAH17 (dynein axonemal heavy chain 17; minus strand). Cytogenetic location: 17q25.3.
Variant type: single nucleotide variant.
Coding change: c.684C>T on transcript NM_173628.4 (MANE Select); coding-DNA position 684, C replaced by T.
Protein change: p.Phe228=; no amino-acid change (phenylalanine 228 retained).
Molecular consequence: synonymous variant.
Genome position (GRCh38, 1-based): chr17:78,571,638, G>A on the plus strand (C>T on the coding strand, the complement: DNAH17 is on the minus strand). VCF-style: chr17-78571638-G-A. GRCh37 (hg19) VCF-style: chr17-76567720-G-A.
Identifiers: ClinVar variation 3041053 (VCV003041053.2), dbSNP rs761726465, ClinGen allele CA8805546.